The following is an entry in ClinVar:

NM_015102.5(NPHP4):c.285G>A (p.Leu95=)

Gene: NPHP4 (nephrocystin 4; minus strand). Cytogenetic location: 1p36.31.
Variant type: single nucleotide variant.
Coding change: c.285G>A on transcript NM_015102.5 (MANE Select); coding-DNA position 285, G replaced by A.
Protein change: p.Leu95=; no amino-acid change (leucine 95 retained).
Molecular consequence: synonymous variant. On other transcripts: 5 prime UTR variant (2), non-coding transcript variant (1).
Genome position (GRCh38, 1-based): chr1:5,969,254, C>T on the plus strand (G>A on the coding strand, the complement: NPHP4 is on the minus strand). VCF-style: chr1-5969254-C-T. GRCh37 (hg19) VCF-style: chr1-6029314-C-T.
Other names: c.-945G>A (NM_001291593.2); c.-1082G>A (NM_001291594.2); c.285G>A (NM_015102.4).
Identifiers: ClinVar variation 1095608 (VCV001095608.11), dbSNP rs767329719, ClinGen allele CA554877.

ClinVar aggregate classification (germline): Likely benign. Review status: criteria provided, multiple submitters, no conflicts (2 of 4 stars). 3 submissions from 3 submitters: Likely benign (3). Last evaluated 2025-08-26.

Conditions:
NPHP4-related disorder. Also called: NPHP4-related disorders; NPHP4-related condition. Identifiers: MedGen CN239384.
Nephronophthisis. Also called: Juvenile Nephronophthisis. Identifiers: Orphanet 655, MedGen C0687120, MONDO:0019005, HP:0000090.

Allele frequency attached by ClinVar (database versions not stated): gnomAD exomes 0.00004; ExAC 0.00010.
gnomAD v4.1: 63 of 1,554,728 alleles (0.0041%); highest among the groups gnomAD compares: Middle Eastern, 0.051%; no homozygotes.

Submissions (3):

Labcorp Genetics (formerly Invitae), Labcorp
Classification: Likely benign for Nephronophthisis. Last evaluated: 2025-08-26. Review status: criteria provided, single submitter. Criteria: Invitae Variant Classification Sherloc (09022015). Collection method: clinical testing. Allele origin: germline.

PreventionGenetics, part of Exact Sciences
Classification: Likely benign for NPHP4-related condition. Last evaluated: 2025-04-24. Review status: criteria provided, single submitter. Criteria: ACMG Guidelines, 2015. Collection method: clinical testing. Allele origin: germline.
Comment: This variant is classified as likely benign based on ACMG/AMP sequence variant interpretation guidelines (Richards et al. 2015 PMID: 25741868, with internal and published modifications).

Blueprint Genetics
Classification: Likely benign. Last evaluated: 2024-08-06. Review status: criteria provided, single submitter. Criteria: ACMG Guidelines, 2015. Collection method: clinical testing. Allele origin: germline.